The following is an entry in ClinVar:

NM_001079802.2(FKTN):c.997_998insCAGGA (p.Leu333fs)

Gene: FKTN (fukutin; plus strand). Cytogenetic location: 9q31.2.
Variant type: Insertion.
Coding change: c.997_998insCAGGA on transcript NM_001079802.2 (MANE Select); coding-DNA positions 997 to 998, CAGGA inserted.
Protein change: p.Leu333fs; shifts the reading frame from leucine 333.
Molecular consequence: frameshift variant. On other transcripts: non-coding transcript variant (1).
Genome position: GRCh38 VCF-style: chr9-105618045-T-TCAGGA. GRCh37 (hg19) VCF-style: chr9-108380326-T-TCAGGA.
Other names: c.997_998insCAGGA, p.Leu333fs (NM_001198963.2, NM_001351496.2, NM_001351498.2 and 1 more transcripts); c.928_929insCAGGA, p.Leu310fs (NM_001351497.2); c.601_602insCAGGA, p.Leu201fs (NM_001351499.2, NM_001351500.2, NM_001351501.2 and 1 more transcripts); short protein forms L201fs, L310fs, L333fs.
Identifiers: ClinVar variation 5015333 (VCV005015333.1).

ClinVar aggregate classification (germline): Pathogenic (1 of 4 stars; one submission).

Conditions:
Myopathy caused by variation in FKTN. Identifiers: MedGen CN305638, MONDO:0700067.

Submission:

Myriad Genetics, Inc.
Classification: Pathogenic for Myopathy caused by variation in FKTN. Last evaluated: 2025-12-17. Review status: criteria provided, single submitter. Criteria: Myriad Autosomal Dominant, Autosomal Recessive and X-Linked Classification Criteria (2023). Collection method: clinical testing. Allele origin: unknown.
Comment: NM_001079802.1(FKTN):c.997_998ins5(L333Sfs*3) is expected to be pathogenic in the context of FKTN-related disorders. This variant is predicted to lead to an abnormal or absent protein product due to the creation of a premature termination codon in FKTN, a gene where loss-of-function variants are known to be pathogenic. Please note: this variant was assessed in the context of healthy population screening.